The following is an entry in ClinVar:

NM_000153.4(GALC):c.1468T>G (p.Tyr490Asp)

Gene: GALC (galactosylceramidase; minus strand). Cytogenetic location: 14q31.3.
Variant type: single nucleotide variant.
Coding change: c.1468T>G on transcript NM_000153.4 (MANE Select); coding-DNA position 1468, T replaced by G.
Protein change: p.Tyr490Asp; replaces tyrosine 490 with aspartic acid.
Molecular consequence: missense variant.
Genome position (GRCh38, 1-based): chr14:87,947,749, A>C on the plus strand (T>G on the coding strand, the complement: GALC is on the minus strand). VCF-style: chr14-87947749-A-C. GRCh37 (hg19) VCF-style: chr14-88414093-A-C.
Other names: c.1399T>G, p.Tyr467Asp (NM_001201401.2); c.1390T>G, p.Tyr464Asp (NM_001201402.2); short protein forms Y464D, Y467D, Y490D.
Identifiers: ClinVar variation 2576044 (VCV002576044.1), dbSNP rs202135871, ClinGen allele CA390746416.

ClinVar aggregate classification (germline): Uncertain significance (1 of 4 stars; one submission).

Submission:

Institute for Clinical Genetics, University Hospital TU Dresden, University Hospital TU Dresden
Classification: Uncertain significance. Last evaluated: 2022-08-23. Review status: criteria provided, single submitter. Criteria: ACMG Guidelines, 2015. Collection method: clinical testing. Allele origin: germline.
Comment: PP3, PM2_SUP